The following is an entry in ClinVar:

ClinVar aggregate classification (germline): Conflicting classifications of pathogenicity. Review status: criteria provided, conflicting classifications (1 of 4 stars). 3 submissions from 3 submitters: Pathogenic (1); Likely pathogenic (1); Uncertain significance (1). Last evaluated 2025-09-16.

Conditions:
Neurofibromatosis, type 1 (NF1). Also called: Peripheral type neurofibromatosis; Neurofibromatosis, type I; NEUROFIBROMATOSIS, TYPE I, SOMATIC; VON RECKLINGHAUSEN DISEASE. Identifiers: Orphanet 636, MedGen C0027831, MONDO:0018975, OMIM 162200. Disease mechanism: loss of function.
Hereditary cancer-predisposing syndrome. Also called: Hereditary Cancer Syndrome; Neoplastic Syndromes, Hereditary; Hereditary neoplastic syndrome; Tumor predisposition. Identifiers: Orphanet 140162, MedGen C0027672, MeSH D009386, MONDO:0015356.
Cardiovascular phenotype. Identifiers: MedGen CN230736.

Submissions (3):

Ambry Genetics
Classification: Likely pathogenic for Cardiovascular phenotype; Hereditary cancer-predisposing syndrome. Last evaluated: 2025-09-16. Review status: criteria provided, single submitter. Criteria: Ambry Variant Classification Scheme 2023. Collection method: clinical testing. Allele origin: germline.
Comment: The c.6642-5T>G intronic variant results from a T to G substitution 5 nucleotides upstream from coding exon 44 in the NF1 gene. This variant was reported in individual(s) with features consistent with neurofibromatosis type 1 (NF1) (Wimmer K et al. Hum Mutat, 2020 Jun;41:1145-1156; Ambry internal data). This nucleotide position is well conserved in available vertebrate species. In silico splice site analysis predicts that this alteration will weaken the native splice acceptor site. RNA studies have demonstrated that this alteration results in abnormal splicing in the set of samples tested (Ambry internal data). This variant is considered to be rare based on population cohorts in the Genome Aggregation Database (gnomAD). Based on the majority of available evidence to date, this variant is likely to be pathogenic.

Labcorp Genetics (formerly Invitae), Labcorp
Classification: Uncertain significance for Neurofibromatosis, type 1. Last evaluated: 2024-02-06. Review status: criteria provided, single submitter. Criteria: Invitae Variant Classification Sherloc (09022015). Collection method: clinical testing. Allele origin: germline.
Comment: This sequence change falls in intron 43 of the NF1 gene. It does not directly change the encoded amino acid sequence of the NF1 protein. This variant is not present in population databases (gnomAD no frequency). This variant has been observed in individual(s) with clinical features of neurofibromatosis, type 1 (PMID: 32126153). ClinVar contains an entry for this variant (Variation ID: 816735). Studies have shown that this variant is associated with inconclusive levels of altered splicing (Invitae). In summary, the available evidence is currently insufficient to determine the role of this variant in disease. Therefore, it has been classified as a Variant of Uncertain Significance.

UAB Medical Genomics Laboratory, UAB Medicine
Classification: Pathogenic for Neurofibromatosis, type 1. Last evaluated: 2020-01-20. Review status: criteria provided, single submitter. Criteria: ACMG Guidelines, 2015. Collection method: clinical testing. Allele origin: germline. Affected: yes.

Literature cited by the submitters: PubMed 32126153 (cited by 3 submitters).

NM_001042492.3(NF1):c.6705-5T>G

Gene: NF1 (neurofibromin 1; plus strand). Cytogenetic location: 17q11.2.
Variant type: single nucleotide variant.
Coding change: c.6705-5T>G on transcript NM_001042492.3 (MANE Select); 5 bases into the intron before coding-DNA position 6705, T replaced by G.
Molecular consequence: intron variant.
Genome position (GRCh38, 1-based): chr17:31,338,020, T>G. VCF-style: chr17-31338020-T-G. GRCh37 (hg19) VCF-style: chr17-29665038-T-G.
Other names: c.6642-5T>G (NM_000267.4).
Identifiers: ClinVar variation 816735 (VCV000816735.9), dbSNP rs1597844956, ClinGen allele CA915949956.